The following is an entry in ClinVar:

NM_002471.4(MYH6):c.3285G>T (p.Lys1095Asn)

Gene: MYH6 (myosin heavy chain 6; minus strand). Cytogenetic location: 14q11.2.
Variant type: single nucleotide variant.
Coding change: c.3285G>T on transcript NM_002471.4 (MANE Select); coding-DNA position 3285, G replaced by T.
Protein change: p.Lys1095Asn; replaces lysine 1095 with asparagine.
Molecular consequence: missense variant.
Genome position (GRCh38, 1-based): chr14:23,392,619, C>A on the plus strand (G>T on the coding strand, the complement: MYH6 is on the minus strand). VCF-style: chr14-23392619-C-A. GRCh37 (hg19) VCF-style: chr14-23861828-C-A.
Other names: short protein forms K1095N.
Identifiers: ClinVar variation 218610 (VCV000218610.4), dbSNP rs864309578, ClinGen allele CA248894.

ClinVar aggregate classification (germline): Uncertain significance. Review status: criteria provided, multiple submitters, no conflicts (2 of 4 stars). 2 submissions from 2 submitters: Uncertain significance (2). Last evaluated 2015-07-10.

Allele frequency attached by ClinVar (database versions not stated): gnomAD exomes 0.00001.
gnomAD v4.1: 9 of 1,517,504 alleles (0.00059%); highest among the groups gnomAD compares: Middle Eastern, 0.14%; no homozygotes.

Submissions (2):

Genomic Diagnostic Laboratory, Division of Genomic Diagnostics, Children's Hospital of Philadelphia
Classification: Uncertain significance. Last evaluated: 2015-07-10. Review status: criteria provided, single submitter. Criteria: DGD Variant Analysis Guidelines. Collection method: clinical testing. Allele origin: unknown.

Laboratory for Molecular Medicine, Mass General Brigham Personalized Medicine
Classification: Uncertain significance. Last evaluated: 2015-03-18. Review status: criteria provided, single submitter. Criteria: LMM Criteria. Collection method: clinical testing. Allele origin: germline. Observed: 1 variant allele.
Comment: The p.Lys1095Asn variant in MYH6 has not been previously reported in individuals with cardiomyopathy or in large population studies. Computational prediction to ols and conservation analysis do not provide strong support for or against an im pact to the protein. In summary, the clinical significance of the p.Lys1095Asn v ariant is uncertain.